The following is an entry in ClinVar:

NM_001165963.4(SCN1A):c.5404G>A (p.Glu1802Lys)

Genes: SCN1A (sodium voltage-gated channel alpha subunit 1; minus strand), LOC102724058 (uncharacterized LOC102724058; plus strand). Cytogenetic location: 2q24.3.
Variant type: single nucleotide variant.
Coding change: c.5404G>A on transcript NM_001165963.4 (MANE Select); coding-DNA position 5404, G replaced by A.
Protein change: p.Glu1802Lys; replaces glutamic acid 1802 with lysine.
Molecular consequence: missense variant. On other transcripts: non-coding transcript variant (1).
Genome position (GRCh38, 1-based): chr2:165,991,871, C>T on the plus strand (G>A on the coding strand, the complement: SCN1A is on the minus strand). VCF-style: chr2-165991871-C-T. GRCh37 (hg19) VCF-style: chr2-166848381-C-T.
Other names: c.5371G>A, p.Glu1791Lys (NM_006920.6, NM_001353949.2, NM_001353950.2 and 2 more transcripts); c.5320G>A, p.Glu1774Lys (NM_001165964.3, NM_001353957.2, NM_001353958.2); c.5404G>A, p.Glu1802Lys (NM_001202435.3, NM_001353948.2); c.5368G>A, p.Glu1790Lys (NM_001353954.2, NM_001353955.2); c.5317G>A, p.Glu1773Lys (NM_001353960.2); c.2962G>A, p.Glu988Lys (NM_001353961.2); c.5404G>A (NM_001165963.1); short protein forms E1802K, E1773K, E1774K, E1791K, E988K, E1790K.
Identifiers: ClinVar variation 1383663 (VCV001383663.43), dbSNP rs794726780, ClinGen allele CA349067770.

ClinVar aggregate classification (germline): Uncertain significance. Review status: criteria provided, multiple submitters, no conflicts (2 of 4 stars). 4 submissions from 4 submitters: Uncertain significance (4). Last evaluated 2022-09-01.

Conditions:
Early-infantile DEE. Also called: Early infantile epileptic encephalopathy with suppression bursts; Ohtahara syndrome; Early infantile epileptic encephalopathy. Identifiers: Orphanet 1934, MedGen C0393706, MONDO:0800491.
Generalized epilepsy with febrile seizures plus, type 2 (GEFSP2). Also called: GEFS+, TYPE 2. Identifiers: Orphanet 36387, MedGen C1858673, MONDO:0011461, OMIM 604403.
Inborn genetic diseases. Identifiers: MedGen C0950123, MeSH D030342.

Allele frequency attached by ClinVar (database versions not stated): gnomAD exomes below 0.00001; TOPMed 0.00001.
gnomAD v4.1: 2 of 1,613,980 alleles (0.00012%); highest among the groups gnomAD compares: Non-Finnish European, 0.00017%; no homozygotes.

Submissions (4):

CeGaT Center for Human Genetics Tuebingen
Classification: Uncertain significance. Last evaluated: 2022-09-01. Review status: criteria provided, single submitter. Criteria: CeGaT Center For Human Genetics Tuebingen Variant Classification Criteria Version 2. Collection method: clinical testing. Allele origin: germline. Affected: yes. Observed: 2 variant alleles.
Comment: SCN1A: PM2, PP2, PP3

Ambry Genetics
Classification: Uncertain significance for Inborn genetic diseases. Last evaluated: 2022-06-21. Review status: criteria provided, single submitter. Criteria: Ambry Variant Classification Scheme 2023. Collection method: clinical testing. Allele origin: germline.

Labcorp Genetics (formerly Invitae), Labcorp
Classification: Uncertain significance for Early-infantile DEE. Last evaluated: 2021-07-26. Review status: criteria provided, single submitter. Criteria: Invitae Variant Classification Sherloc (09022015). Collection method: clinical testing. Allele origin: germline.
Comment: This sequence change replaces glutamic acid with lysine at codon 1802 of the SCN1A protein (p.Glu1802Lys). The glutamic acid residue is highly conserved and there is a small physicochemical difference between glutamic acid and lysine. This variant is not present in population databases (ExAC no frequency). This variant has not been reported in the literature in individuals affected with SCN1A-related conditions. Advanced modeling of protein sequence and biophysical properties (such as structural, functional, and spatial information, amino acid conservation, physicochemical variation, residue mobility, and thermodynamic stability) performed at Invitae indicates that this missense variant is expected to disrupt SCN1A protein function. In summary, the available evidence is currently insufficient to determine the role of this variant in disease. Therefore, it has been classified as a Variant of Uncertain Significance.

Institute for Medical Genetics and Human Genetics, Charité - Universitätsmedizin Berlin
Classification: Uncertain significance for Generalized epilepsy with febrile seizures plus, type 2. Review status: criteria provided, single submitter. Criteria: ACMG Guidelines, 2015. Collection method: not provided. Allele origin: germline. Inheritance: Autosomal dominant inheritance. Affected: yes.